The following is an entry in ClinVar:

NM_004360.5(CDH1):c.304G>A (p.Ala102Thr)

Gene: CDH1 (cadherin 1; plus strand). Cytogenetic location: 16q22.1.
Variant type: single nucleotide variant.
Coding change: c.304G>A on transcript NM_004360.5 (MANE Select); coding-DNA position 304, G replaced by A.
Protein change: p.Ala102Thr; replaces alanine 102 with threonine.
Molecular consequence: missense variant. On other transcripts: 5 prime UTR variant (2).
Genome position (GRCh38, 1-based): chr16:68,801,810, G>A. VCF-style: chr16-68801810-G-A. GRCh37 (hg19) VCF-style: chr16-68835713-G-A.
Other names: p.A102T:GCC>ACC; c.304G>A (LRG_301t1); c.304G>A, p.Ala102Thr (NM_001317184.2); c.-1312G>A (NM_001317185.2); c.-1516G>A (NM_001317186.2); short protein forms A102T.
Identifiers: ClinVar variation 142578 (VCV000142578.48), dbSNP rs368492235, ClinGen allele CA294451.

ClinVar aggregate classification (germline): Benign. Review status: reviewed by expert panel (3 of 4 stars). 20 submissions from 20 submitters: Benign (1). 19 of the submissions do not count toward it. Last evaluated 2023-08-10.

Conditions:
CDH1-related diffuse gastric and lobular breast cancer syndrome. Also called: CDH1-related diffuse gastric and lobular breast cancer. Identifiers: MedGen CN311521, MONDO:0100488.
CDH1-related disorder. Also called: CDH1-related condition.
Hereditary cancer-predisposing syndrome. Also called: Neoplastic Syndromes, Hereditary; Hereditary Cancer Syndrome; Tumor predisposition; Hereditary neoplastic syndrome. Identifiers: Orphanet 140162, MedGen C0027672, MeSH D009386, MONDO:0015356.
Hereditary diffuse gastric adenocarcinoma (HDGC). Also called: DIFFUSE GASTRIC AND LOBULAR BREAST CANCER SYNDROME. Identifiers: Orphanet 26106, MedGen C1708349, MONDO:0007648, OMIM 137215.
Malignant tumor of breast. Also called: Malignant breast neoplasm; Cancer breast. Identifiers: MedGen C0006142, MONDO:0007254. Disease mechanism: loss of function.

Allele frequency attached by ClinVar (database versions not stated): gnomAD 0.00003 and 0.00012; TOPMed 0.00009; ExAC 0.00026.
gnomAD v4.1: 240 of 1,614,174 alleles (0.015%); highest among the groups gnomAD compares: South Asian, 0.2%; 3 homozygotes.

Submissions (20):

Clingen Gastric Cancer Variant Curation Expert Panel
Classification: Benign for CDH1-related diffuse gastric and lobular breast cancer syndrome. Last evaluated: 2023-08-10. Review status: reviewed by expert panel. Criteria: ClinGen CDH1 ACMG Specifications V3.1. Collection method: curation. Allele origin: germline. Inheritance: Autosomal dominant inheritance.
Comment: The c.304G>A variant has an allele frequency of 0.00188 (0.19%, 58/30,780 alleles) in the South Asian subpopulation of the gnomAD 2.1.1 cohort (BS1). The variant was observed in the homozygous state in gnomAD 2.1.1 (BP2). The variant has also been observed in >10 individuals without a diagnosis of diffuse gastric cancer, signet ring tumor or lobular breast cancer and whose family histories do not suggest HDGC (BS2; SCV000210895.12; SCV000186827.5). Therefore, this variant meets criteria to be classified as benign. ACMG/AMP criteria applied, as specified by the CDH1 Variant Curation Expert Panel (Variant Interpretation Guidelines Version 3.1): BS1, BS2, BP2 .

Labcorp Genetics (formerly Invitae), Labcorp
Classification: Benign for Hereditary diffuse gastric adenocarcinoma. Last evaluated: 2026-02-03. Review status: criteria provided, single submitter. Criteria: Invitae Variant Classification Sherloc (09022015). Collection method: clinical testing. Allele origin: germline. Not counted in ClinVar's aggregate classification.

Mayo Clinic Laboratories, Mayo Clinic
Classification: Benign. Last evaluated: 2025-09-23. Review status: criteria provided, single submitter. Criteria: ACMG Guidelines, 2015. Collection method: clinical testing. Allele origin: germline. Observed: 1 variant allele. Not counted in ClinVar's aggregate classification.
Comment: BS1, BS2, BP2

Center for Genomic Medicine, Rigshospitalet, Copenhagen University Hospital
Classification: Benign. Last evaluated: 2025-03-04. Review status: criteria provided, single submitter. Criteria: ACMG Guidelines, 2015. Collection method: clinical testing. Allele origin: germline. Not counted in ClinVar's aggregate classification.

Quest Diagnostics Nichols Institute San Juan Capistrano
Classification: Benign. Last evaluated: 2025-03-01. Review status: criteria provided, single submitter. Criteria: Quest Diagnostics criteria. Collection method: clinical testing. Allele origin: unknown. Not counted in ClinVar's aggregate classification.

Color Diagnostics, LLC DBA Color Health
Classification: Benign for Hereditary cancer-predisposing syndrome. Last evaluated: 2024-09-25. Review status: criteria provided, single submitter. Criteria: ACMG Guidelines, 2015. Collection method: clinical testing. Allele origin: germline. Not counted in ClinVar's aggregate classification.

Blueprint Genetics
Classification: Likely benign. Last evaluated: 2024-08-12. Review status: criteria provided, single submitter. Criteria: ACMG Guidelines, 2015. Collection method: clinical testing. Allele origin: germline. Not counted in ClinVar's aggregate classification.

Mendelics
Classification: Benign for Hereditary diffuse gastric adenocarcinoma. Last evaluated: 2023-08-22. Review status: criteria provided, single submitter. Criteria: Mendelics Assertion Criteria 2019. Collection method: clinical testing. Allele origin: germline. Not counted in ClinVar's aggregate classification.

Myriad Genetics, Inc.
Classification: Uncertain significance for Hereditary diffuse gastric adenocarcinoma. Last evaluated: 2023-03-06. Review status: criteria provided, single submitter. Criteria: Myriad Autosomal Dominant, Autosomal Recessive and X-Linked Classification Criteria (2023). Collection method: clinical testing. Allele origin: unknown. Not counted in ClinVar's aggregate classification.
Comment: This variant is classified as a variant of uncertain significance as there is insufficient evidence to determine its impact on protein function and/or cancer risk.

European Reference Network on Genetic Tumour Risk Syndromes (ERN-GENTURIS), i3s - Instituto de Investigação e Inovação em Saúde, University of Porto
Classification: Benign for Hereditary diffuse gastric adenocarcinoma. Last evaluated: 2022-08-01. Review status: criteria provided, single submitter. Criteria: Lee et al. (Hum Mutat. 2018). Collection method: clinical testing. Allele origin: germline. Inheritance: Autosomal dominant inheritance. Affected: no. Study: ERN GENTURIS. Not counted in ClinVar's aggregate classification.
Comment: BS1; BS2; BP2_Strong (PMID: 30311375)

Institute for Clinical Genetics, University Hospital TU Dresden, University Hospital TU Dresden
Classification: Uncertain significance. Last evaluated: 2021-11-03. Review status: criteria provided, single submitter. Criteria: ACMG Guidelines, 2015. Collection method: clinical testing. Allele origin: germline. Not counted in ClinVar's aggregate classification.

Sema4
Classification: Benign for Hereditary cancer-predisposing syndrome. Last evaluated: 2021-07-27. Review status: criteria provided, single submitter. Criteria: Sema4 Curation Guidelines. Collection method: curation. Allele origin: germline. Not counted in ClinVar's aggregate classification.

Women's Health and Genetics/Laboratory Corporation of America, LabCorp
Classification: Benign. Last evaluated: 2020-12-18. Review status: criteria provided, single submitter. Criteria: LabCorp Variant Classification Summary - May 2015. Collection method: clinical testing. Allele origin: germline. Not counted in ClinVar's aggregate classification.
Comment: Variant summary: CDH1 c.304G>A (p.Ala102Thr) results in a non-conservative amino acid change located in the Cadherin prodomain (IPR014868) of the encoded protein sequence. Three of five in-silico tools predict a benign effect of the variant on protein function. The variant allele was found at a frequency of 0.00023 in 251274 control chromosomes, predominantly at a frequency of 0.0019 within the South Asian subpopulation in the gnomAD database, including 1 homozygotes. The observed variant frequency within South Asian control individuals in the gnomAD database is approximately 67 fold of the estimated maximal expected allele frequency for a pathogenic variant in CDH1 causing Hereditary Diffuse Gastric Cancer phenotype (2.8e-05), strongly suggesting that the variant is a benign polymorphism found primarily in populations of South Asian origin. c.304G>A has been reported in the literature in individuals undergoing multi gene panel based testing for cancer (example, Mannan_2016, Mehmet Akcay_2020). These report(s) do not provide unequivocal conclusions about association of the variant with Hereditary Diffuse Gastric Cancer or Lobular Breast Cancer. To our knowledge, no experimental evidence demonstrating an impact on protein function has been reported. Seven clinical diagnostic laboratories and one expert panel (ClinGen CDH1 Variant Curation Expert Panel) have submitted clinical-significance assessments for this variant to ClinVar after 2014 without evidence for independent evaluation (likely benign/benign, n=6). Based on the evidence outlined above, the variant was classified as benign.

GeneDx
Classification: Likely benign. Last evaluated: 2019-12-13. Review status: criteria provided, single submitter. Criteria: GeneDx Variant Classification Process June 2021. Collection method: clinical testing. Allele origin: germline. Affected: yes. Not counted in ClinVar's aggregate classification.
Comment: This variant is associated with the following publications: (PMID: 26911350)

Ambry Genetics
Classification: Likely benign for Hereditary cancer-predisposing syndrome. Last evaluated: 2019-06-11. Review status: criteria provided, single submitter. Criteria: Ambry Variant Classification Scheme 2023. Collection method: clinical testing. Allele origin: germline. Not counted in ClinVar's aggregate classification.

Illumina Laboratory Services, Illumina
Classification: Benign for Hereditary diffuse gastric adenocarcinoma. Last evaluated: 2018-01-13. Review status: criteria provided, single submitter. Criteria: ICSL Variant Classification Criteria 13 December 2019. Collection method: clinical testing. Allele origin: germline. Not counted in ClinVar's aggregate classification.
Comment: This variant was observed in the ICSL laboratory as part of a predisposition screen in an ostensibly healthy population. It had not been previously curated by ICSL or reported in the Human Gene Mutation Database (HGMD: prior to June 1st, 2018), and was therefore a candidate for classification through an automated scoring system. Utilizing variant allele frequency, disease prevalence and penetrance estimates, and inheritance mode, an automated score was calculated to assess if this variant is too frequent to cause the disease. Based on the score and internal cut-off values, a variant classified as benign is not then subjected to further curation. The score for this variant resulted in a classification of benign for this disease.

PreventionGenetics, part of Exact Sciences
Classification: Likely benign for CDH1-related condition. Last evaluated: 2023-08-17. Review status: no assertion criteria provided. Collection method: clinical testing. Allele origin: germline. Not counted in ClinVar's aggregate classification.
Comment: This variant is classified as likely benign based on ACMG/AMP sequence variant interpretation guidelines (Richards et al. 2015 PMID: 25741868, with internal and published modifications).

Pediatric Oncology, Johns Hopkins University
Classification: Likely benign. Last evaluated: 2019-02-15. Review status: no assertion criteria provided. Collection method: clinical testing. Allele origin: somatic. Affected: no. Not counted in ClinVar's aggregate classification.

Counsyl
Classification: Uncertain significance for Hereditary diffuse gastric adenocarcinoma. Last evaluated: 2015-11-17. Review status: no assertion criteria provided. Collection method: clinical testing. Allele origin: unknown. Not counted in ClinVar's aggregate classification.

Department of Pathology and Laboratory Medicine, Sinai Health System
Classification: Uncertain significance for Malignant tumor of breast. Review status: no assertion criteria provided. Collection method: clinical testing. Allele origin: unknown. Affected: yes. Observed: 1 variant allele. Study: The Canadian Open Genetics Repository (COGR). Not counted in ClinVar's aggregate classification.
Comment: The CDH1 p.Ala102Thr variant was identified in 1 of 282 proband chromosomes (frequency: 0.004) from individuals or families with breast or ovarian cancer (Mannan 2016). The variant was also identified in dbSNP (ID: rs368492235) as "With Uncertain significance", and in ClinVar (classified as likely benign by Invitae, GeneDx and Integrated Genetics/Laboratory Corporation of America; as uncertain significance by Ambry Genetics and Counsyl). The variant was identified in control databases in 60 of 246028 chromosomes (1 homozygous) at a frequency of 0.0002 (Genome Aggregation Database Feb 27, 2017). The variant was observed in the following populations: African in 1 of 15302 chromosomes (freq: 0.00007), European in 1 of 111500 chromosomes (freq: 0.000009), and South Asian in 58 of 30780 chromosomes (freq: 0.002); it was not observed in the Other, Latino, Ashkenazi Jewish, East Asian, and Finnish, populations. The p.Ala102 residue is conserved in mammals and computational analyses (PolyPhen-2, SIFT, AlignGVGD, BLOSUM, MutationTaster) provide inconsistent predictions regarding the impact to the protein; this information is not very predictive of pathogenicity. The variant occurs outside of the splicing consensus sequence and in silico or computational prediction software programs (SpliceSiteFinder, MaxEntScan, NNSPLICE, GeneSplicer) do not predict a difference in splicing. In summary, based on the above information the clinical significance of this variant cannot be determined with certainty at this time. This variant is classified as a variant of uncertain significance.

Literature cited by the submitters: PubMed 26911350 (cited by 3 submitters); PubMed 34326862 (cited by Quest Diagnostics Nichols Institute San Juan Capistrano); PubMed 33471991 (cited by Quest Diagnostics Nichols Institute San Juan Capistrano); PubMed 36436516 (cited by Quest Diagnostics Nichols Institute San Juan Capistrano and European Reference Network on Genetic Tumour Risk Syndromes (ERN-GENTURIS), i3s - Instituto de Investigação e Inovação em Saúde, University of Porto); PubMed 32658311 (cited by Quest Diagnostics Nichols Institute San Juan Capistrano and Women's Health and Genetics/Laboratory Corporation of America, LabCorp).